The following is an entry in ClinVar:

NM_022051.3(EGLN1):c.785A>G (p.Lys262Arg)

Genes: EGLN1 (egl-9 family hypoxia inducible factor 1; minus strand), LOC129932769 (ATAC-STARR-seq lymphoblastoid active region 2730; plus strand). Cytogenetic location: 1q42.2.
Variant type: single nucleotide variant.
Coding change: c.785A>G on transcript NM_022051.3 (MANE Select); coding-DNA position 785, A replaced by G.
Protein change: p.Lys262Arg; replaces lysine 262 with arginine.
Molecular consequence: missense variant.
Genome position (GRCh38, 1-based): chr1:231,421,104, T>C on the plus strand (A>G on the coding strand, the complement: EGLN1 is on the minus strand). VCF-style: chr1-231421104-T-C. GRCh37 (hg19) VCF-style: chr1-231556850-T-C.
Other names: c.785A>G (NM_022051.2); c.785A>G, p.Lys262Arg (NM_001377260.1, NM_001377261.1); short protein forms K262R.
Identifiers: ClinVar variation 3667898 (VCV003667898.3).

ClinVar aggregate classification (germline): Uncertain significance. Review status: criteria provided, multiple submitters, no conflicts (2 of 4 stars). 2 submissions from 2 submitters: Uncertain significance (2). Last evaluated 2026-04-04.

Conditions:
Erythrocytosis, familial, 3 (ECYT3). Identifiers: Orphanet 247511, MedGen C1853286, MONDO:0012353, OMIM 609820.

gnomAD v4.1: 5 of 1,614,160 alleles (0.00031%); highest among the groups gnomAD compares: Non-Finnish European, 0.00042%; no homozygotes.

Submissions (2):

Ambry Genetics
Classification: Uncertain significance. Last evaluated: 2026-04-04. Review status: criteria provided, single submitter. Criteria: Ambry Variant Classification Scheme 2023. Collection method: clinical testing. Allele origin: germline.
Comment: The p.K262R variant (also known as c.785A>G), located in coding exon 1 of the EGLN1 gene, results from an A to G substitution at nucleotide position 785. The lysine at codon 262 is replaced by arginine, an amino acid with highly similar properties. This amino acid position is conserved. In addition, this alteration is predicted to be tolerated by in silico analysis. Based on the available evidence, the clinical significance of this variant remains unclear.

Labcorp Genetics (formerly Invitae), Labcorp
Classification: Uncertain significance for Erythrocytosis, familial, 3. Last evaluated: 2024-05-08. Review status: criteria provided, single submitter. Criteria: Invitae Variant Classification Sherloc (09022015). Collection method: clinical testing. Allele origin: germline.
Comment: This sequence change replaces lysine, which is basic and polar, with arginine, which is basic and polar, at codon 262 of the EGLN1 protein (p.Lys262Arg). This variant is not present in population databases (gnomAD no frequency). This variant has not been reported in the literature in individuals affected with EGLN1-related conditions. An algorithm developed to predict the effect of missense changes on protein structure and function (PolyPhen-2) suggests that this variant is likely to be tolerated. In summary, the available evidence is currently insufficient to determine the role of this variant in disease. Therefore, it has been classified as a Variant of Uncertain Significance.